The following is an entry in ClinVar:

ClinVar aggregate classification (germline): Uncertain significance (1 of 4 stars; one submission).

Conditions:
Dystonic disorder. Also called: Dystonia. Identifiers: MedGen C0013421, MONDO:0003441, HP:0001332.

Allele frequency attached by ClinVar (database versions not stated): ExAC 0.00001; gnomAD 0.00001; gnomAD exomes 0.00001; TOPMed 0.00002.
gnomAD v4.1: 14 of 1,612,202 alleles (0.00087%); highest among the groups gnomAD compares: East Asian, 0.0022%; no homozygotes.

Submission:

Labcorp Genetics (formerly Invitae), Labcorp
Classification: Uncertain significance for Dystonic disorder. Last evaluated: 2023-08-21. Review status: criteria provided, single submitter. Criteria: Invitae Variant Classification Sherloc (09022015). Collection method: clinical testing. Allele origin: germline.
Comment: In summary, the available evidence is currently insufficient to determine the role of this variant in disease. Therefore, it has been classified as a Variant of Uncertain Significance. This sequence change replaces arginine, which is basic and polar, with glutamine, which is neutral and polar, at codon 628 of the ANO3 protein (p.Arg628Gln). This variant is present in population databases (rs760680753, gnomAD 0.002%). This variant has not been reported in the literature in individuals affected with ANO3-related conditions. Advanced modeling of protein sequence and biophysical properties (such as structural, functional, and spatial information, amino acid conservation, physicochemical variation, residue mobility, and thermodynamic stability) performed at Invitae indicates that this missense variant is not expected to disrupt ANO3 protein function.

NM_031418.4(ANO3):c.1883G>A (p.Arg628Gln)

Gene: ANO3 (anoctamin 3; plus strand). Cytogenetic location: 11p14.2.
Variant type: single nucleotide variant.
Coding change: c.1883G>A on transcript NM_031418.4 (MANE Select); coding-DNA position 1883, G replaced by A.
Protein change: p.Arg628Gln; replaces arginine 628 with glutamine.
Molecular consequence: missense variant.
Genome position (GRCh38, 1-based): chr11:26,634,213, G>A. VCF-style: chr11-26634213-G-A. GRCh37 (hg19) VCF-style: chr11-26655760-G-A.
Other names: c.2066G>A, p.Arg689Gln (NM_001313726.2); c.1445G>A, p.Arg482Gln (NM_001313727.2); short protein forms R482Q, R628Q, R689Q.
Identifiers: ClinVar variation 2898084 (VCV002898084.3), dbSNP rs760680753, ClinGen allele CA5926362.
Genomic context (GRCh38, chr11:26,634,213, plus strand): 5'-TTGATATTCACCTCACCTCACCTGTGTCAATGCAACCTGTGTTCCTTTTAGAATATCCTC[G>A]AACAGAATCAGAGTGGGAAAACAGCTTCGCCCTGAAGATGTTCCTCTTCCAGTTTGTCAA-3'
Protein context (NP_113606.2, residues 618-638): AYLLTNLEYP[Arg628Gln]TESEWENSFA